The following is an entry in ClinVar:

NM_000093.5(COL5A1):c.5218C>T (p.Gln1740Ter)

Genes: COL5A1 (collagen type V alpha 1 chain; plus strand), LOC101448202 (uncharacterized LOC101448202; minus strand). Cytogenetic location: 9q34.3.
Variant type: single nucleotide variant.
Coding change: c.5218C>T on transcript NM_000093.5 (MANE Select); coding-DNA position 5218, C replaced by T.
Protein change: p.Gln1740Ter; replaces glutamine 1740 with a stop codon.
Molecular consequence: nonsense.
Genome position (GRCh38, 1-based): chr9:134,835,052, C>T. VCF-style: chr9-134835052-C-T. GRCh37 (hg19) VCF-style: chr9-137726898-C-T.
Other names: c.5218C>T, p.Gln1740Ter (NM_001278074.1); short protein forms Q1740*.
Identifiers: ClinVar variation 1072619 (VCV001072619.8), dbSNP rs2132925640, ClinGen allele CA375460451.

ClinVar aggregate classification (germline): Pathogenic (1 of 4 stars; one submission).

Conditions:
Ehlers-Danlos syndrome, classic type, 1 (EDSCL1). Also called: EHLERS-DANLOS SYNDROME, GRAVIS TYPE; EHLERS-DANLOS SYNDROME, SEVERE CLASSIC TYPE; EDS I; Ehlers-Danlos Syndrome, Classic Type, COL5A1-Related; Ehlers-Danlos syndrome, type 1. Identifiers: MedGen C0268335, MONDO:0019567, OMIM 130000.

Submission:

Labcorp Genetics (formerly Invitae), Labcorp
Classification: Pathogenic for Ehlers-Danlos syndrome, classic type, 1. Last evaluated: 2020-02-27. Review status: criteria provided, single submitter. Criteria: Invitae Variant Classification Sherloc (09022015). Collection method: clinical testing. Allele origin: germline.
Comment: Loss-of-function variants in COL5A1 are known to be pathogenic (PMID: 23587214). This variant has not been reported in the literature in individuals with COL5A1-related conditions. This variant is not present in population databases (ExAC no frequency). This sequence change creates a premature translational stop signal (p.Gln1740*) in the COL5A1 gene. It is expected to result in an absent or disrupted protein product. For these reasons, this variant has been classified as Pathogenic.

Literature cited by the submitters: PubMed 23587214.